The following is an entry in ClinVar:

NM_001813.3(CENPE):c.2770G>C (p.Val924Leu)

Gene: CENPE (centromere protein E; minus strand). Cytogenetic location: 4q24.
Variant type: single nucleotide variant.
Coding change: c.2770G>C on transcript NM_001813.3 (MANE Select); coding-DNA position 2770, G replaced by C.
Protein change: p.Val924Leu; replaces valine 924 with leucine.
Molecular consequence: missense variant.
Genome position (GRCh38, 1-based): chr4:103,158,718, C>G on the plus strand (G>C on the coding strand, the complement: CENPE is on the minus strand). VCF-style: chr4-103158718-C-G. GRCh37 (hg19) VCF-style: chr4-104079875-C-G.
Other names: c.2695G>C, p.Val899Leu (NM_001286734.2); short protein forms V899L, V924L.
Identifiers: ClinVar variation 4852303 (VCV004852303.1).
Genomic context (GRCh38, chr4:103,158,718, plus strand): 5'-CAATTTGCAAGCTTTCTTGGAGTTGTTTTAGATCATCTTTTTCTTGAGTTAAAGTTTTTA[C>G]TTCTTCTAAAGTTTGCTGCAGTTTCTCAGTAATCAGTGTTTTCTCCCTTTCTACAGTTTG-3'
Protein context (NP_001804.2, residues 914-934): TEKLQQTLEE[Val924Leu]KTLTQEKDDL

ClinVar aggregate classification (germline): Likely benign (1 of 4 stars; one submission).

Conditions:
Microcephaly 13, primary, autosomal recessive. Identifiers: Orphanet 808, MedGen C4015080, MONDO:0014473, OMIM 616051.

gnomAD v4.1: 16 of 1,612,698 alleles (0.00099%); highest among the groups gnomAD compares: South Asian, 0.018%; no homozygotes.

Submission:

Centre for Medical Genetics,  Mumbai
Classification: Likely benign for Microcephaly 13, primary, autosomal recessive. Last evaluated: 2026-05-11. Review status: criteria provided, single submitter. Criteria: ACMG Guidelines, 2015. Collection method: provider interpretation. Allele origin: germline. Inheritance: Autosomal recessive inheritance. Affected: no. Observed: 1 variant allele, 1 homozygote.
Comment: The variant satisfies PM2 criteria - extremely low frequency in gnomAD population databases. However, the variant satisfies BS2 criteria - present in homozygous state in an individual that clinically does not have microcephaly.

Literature cited by the submitters: PubMed 24748105.